The following is an entry in ClinVar:

ClinVar aggregate classification (germline): Uncertain significance (1 of 4 stars; one submission).

Submission:

Labcorp Genetics (formerly Invitae), Labcorp
Classification: Uncertain significance. Last evaluated: 2025-02-27. Review status: criteria provided, single submitter. Criteria: Invitae Variant Classification Sherloc (09022015). Collection method: clinical testing. Allele origin: germline.
Comment: This variant, c.2386_2387insACC, results in the insertion of 1 amino acid(s) of the MYO7A protein (p.Leu795_Arg796insHis), but otherwise preserves the integrity of the reading frame. This variant is not present in population databases (gnomAD no frequency). This variant has not been reported in the literature in individuals affected with MYO7A-related conditions. Experimental studies and prediction algorithms are not available or were not evaluated, and the functional significance of this variant is currently unknown. In summary, the available evidence is currently insufficient to determine the role of this variant in disease. Therefore, it has been classified as a Variant of Uncertain Significance.

NM_000260.4(MYO7A):c.2386_2387insACC (p.Leu795_Arg796insHis)

Gene: MYO7A (myosin VIIA; plus strand). Cytogenetic location: 11q13.5.
Variant type: Insertion.
Coding change: c.2386_2387insACC on transcript NM_000260.4 (MANE Select); coding-DNA positions 2386 to 2387, ACC inserted.
Protein change: p.Leu795_Arg796insHis.
Molecular consequence: inframe insertion.
Genome position: GRCh38 VCF-style: chr11-77179752-G-GCAC. GRCh37 (hg19) VCF-style: chr11-76890798-G-GCAC.
Other names: c.2386_2387insACC, p.Leu795_Arg796insHis (NM_001127180.2); c.2353_2354insACC, p.Leu784_Arg785insHis (NM_001369365.1).
Identifiers: ClinVar variation 4748833 (VCV004748833.1).